The following is an entry in ClinVar:

ClinVar aggregate classification (germline): Pathogenic. Review status: criteria provided, multiple submitters, no conflicts (2 of 4 stars). 2 submissions from 2 submitters: Pathogenic (2). Last evaluated 2023-03-27.

Conditions:
Combined immunodeficiency due to DOCK8 deficiency (HIES2). Also called: HYPER-IgE SYNDROME 2, AUTOSOMAL RECESSIVE, WITH RECURRENT INFECTIONS; DOCK8 Deficiency; Hyper-IgE recurrent infection syndrome, autosomal recessive; HIES autosomal recessive; HYPER-IgE RECURRENT INFECTION SYNDROME 2, AUTOSOMAL RECESSIVE. Identifiers: Orphanet 217390, MedGen C4722305, MONDO:0009478, OMIM 243700.

Allele frequency attached by ClinVar (database versions not stated): gnomAD exomes below 0.00001 and 0.00001; TOPMed below 0.00001; ExAC 0.00001; gnomAD 0.00001.
gnomAD v4.1: 3 of 1,614,010 alleles (0.00019%); highest among the groups gnomAD compares: Non-Finnish European, 0.00017%; no homozygotes.

Submissions (3):

Labcorp Genetics (formerly Invitae), Labcorp
Classification: Pathogenic for Combined immunodeficiency due to DOCK8 deficiency. Last evaluated: 2023-03-27. Review status: criteria provided, single submitter. Criteria: Invitae Variant Classification Sherloc (09022015). Collection method: clinical testing. Allele origin: germline.
Comment: For these reasons, this variant has been classified as Pathogenic. Algorithms developed to predict the effect of sequence changes on RNA splicing suggest that this variant may disrupt the consensus splice site. Studies have shown that disruption of this splice site alters DOCK8 gene expression (PMID: 26235511). ClinVar contains an entry for this variant (Variation ID: 379134). Disruption of this splice site has been observed in individual(s) with hyper IgE syndrome (PMID: 26235511). This variant is present in population databases (rs777066716, gnomAD 0.003%). This sequence change affects an acceptor splice site in intron 24 of the DOCK8 gene. It is expected to disrupt RNA splicing. Variants that disrupt the donor or acceptor splice site typically lead to a loss of protein function (PMID: 16199547), and loss-of-function variants in DOCK8 are known to be pathogenic (PMID: 14722525, 19776401).

GeneDx
Classification: Pathogenic. Last evaluated: 2015-04-21. Review status: criteria provided, single submitter. Criteria: GeneDx Variant Classification (06012015). Collection method: clinical testing. Allele origin: germline. Affected: yes.
Comment: The c.2767-1 G>A splice site variant in the DOCK8 gene has been previously reported in associationwith DOCK8 immunodeficiency (DIDS), where it was identified in a patient who was also heterozygousfor a deletion of exons 5-9 (Jing et al., 2014). It destroys the canonical splice acceptor site in intron 23 and is predicted to cause abnormal gene splicing. Therefore, this variant is considered pathogenic.

Dr. Peter K. Rogan Lab, Western University
No classification provided (evidence only). Condition: Thyroid cancer, nonmedullary, 1. Review status: no classification provided. Collection method: in vitro. Allele origin: not applicable. Functional consequence: retained intron. Not counted in ClinVar's aggregate classification.

Literature cited by the submitters: PubMed 26235511 (cited by Labcorp Genetics (formerly Invitae), Labcorp); PubMed 16199547 (cited by Labcorp Genetics (formerly Invitae), Labcorp); PubMed 14722525 (cited by Labcorp Genetics (formerly Invitae), Labcorp); PubMed 19776401 (cited by Labcorp Genetics (formerly Invitae), Labcorp).

NM_203447.4(DOCK8):c.2971-1G>A

Gene: DOCK8 (dedicator of cytokinesis 8; plus strand). Cytogenetic location: 9p24.3.
Variant type: single nucleotide variant.
Coding change: c.2971-1G>A on transcript NM_203447.4 (MANE Select); the canonical splice acceptor site of the intron before coding-DNA position 2971, G replaced by A.
Molecular consequence: splice acceptor variant.
Genome position (GRCh38, 1-based): chr9:396,784, G>A. VCF-style: chr9-396784-G-A. GRCh37 (hg19) VCF-style: chr9-396784-G-A.
Other names: c.2767-1G>A (NM_001193536.2); c.2671-1G>A (NM_001190458.2).
Identifiers: ClinVar variation 379134 (VCV000379134.6), dbSNP rs777066716, ClinGen allele CA4958455.
Genomic context (GRCh38, chr9:396,784, plus strand): 5'-CTGCATTGTACAAGCAGGTCACCAATCTCCATGTTGACATTTCCTCCATCCCCCTCCGCA[G>A]GTGAAAAGCATGGCCCAGCACGTACATAACATGGACAAACGGGACAGTTTTCGGAGGACT-3'